The following is an entry in ClinVar:

NM_173728.4(ARHGEF15):c.1901G>A (p.Arg634His)

Gene: ARHGEF15 (Rho guanine nucleotide exchange factor 15; plus strand). Cytogenetic location: 17p13.1.
Variant type: single nucleotide variant.
Coding change: c.1901G>A on transcript NM_173728.4 (MANE Select); coding-DNA position 1901, G replaced by A.
Protein change: p.Arg634His; replaces arginine 634 with histidine.
Molecular consequence: missense variant.
Genome position (GRCh38, 1-based): chr17:8,318,778, G>A. VCF-style: chr17-8318778-G-A. GRCh37 (hg19) VCF-style: chr17-8222096-G-A.
Other names: c.1901G>A, p.Arg634His (NM_025014.2); short protein forms R634H.
Identifiers: ClinVar variation 2142451 (VCV002142451.4), dbSNP rs1487212983, ClinGen allele CA398023428.

ClinVar aggregate classification (germline): Uncertain significance (1 of 4 stars; one submission).

Conditions:
Early-infantile DEE. Also called: Early infantile epileptic encephalopathy; Ohtahara syndrome; Early infantile epileptic encephalopathy with suppression bursts. Identifiers: Orphanet 1934, MedGen C0393706, MONDO:0800491.

gnomAD v4.1: 8 of 1,613,232 alleles (0.0005%); highest among the groups gnomAD compares: Admixed American, 0.0033%; no homozygotes.

Submission:

Labcorp Genetics (formerly Invitae), Labcorp
Classification: Uncertain significance for Early-infantile DEE. Last evaluated: 2022-03-28. Review status: criteria provided, single submitter. Criteria: Invitae Variant Classification Sherloc (09022015). Collection method: clinical testing. Allele origin: germline.
Comment: This variant is present in population databases (no rsID available, gnomAD 0.003%). This sequence change replaces arginine, which is basic and polar, with histidine, which is basic and polar, at codon 634 of the ARHGEF15 protein (p.Arg634His). This variant has not been reported in the literature in individuals affected with ARHGEF15-related conditions. Algorithms developed to predict the effect of missense changes on protein structure and function are either unavailable or do not agree on the potential impact of this missense change (SIFT: "Deleterious"; PolyPhen-2: "Benign"; Align-GVGD: "Class C25"). In summary, the available evidence is currently insufficient to determine the role of this variant in disease. Therefore, it has been classified as a Variant of Uncertain Significance.